The following is an entry in ClinVar:

ClinVar aggregate classification (germline): Uncertain significance (1 of 4 stars; one submission).

Submission:

GeneDx
Classification: Uncertain significance. Last evaluated: 2025-02-11. Review status: criteria provided, single submitter. Criteria: GeneDx Variant Classification Process June 2021. Collection method: clinical testing. Allele origin: germline. Affected: yes.
Comment: Not observed at significant frequency in large population cohorts (gnomAD); In silico analysis supports that this missense variant has a deleterious effect on protein structure/function; Has not been previously published as pathogenic or benign to our knowledge

NM_001042681.2(RERE):c.706T>A (p.Tyr236Asn)

Gene: RERE (arginine-glutamic acid dipeptide repeats; minus strand). Cytogenetic location: 1p36.23.
Variant type: single nucleotide variant.
Coding change: c.706T>A on transcript NM_001042681.2 (MANE Select); coding-DNA position 706, T replaced by A.
Protein change: p.Tyr236Asn; replaces tyrosine 236 with asparagine.
Molecular consequence: missense variant.
Genome position (GRCh38, 1-based): chr1:8,556,494, A>T on the plus strand (T>A on the coding strand, the complement: RERE is on the minus strand). VCF-style: chr1-8556494-A-T. GRCh37 (hg19) VCF-style: chr1-8616553-A-T.
Other names: c.706T>A, p.Tyr236Asn (NM_012102.4); short protein forms Y236N.
Identifiers: ClinVar variation 4075560 (VCV004075560.1).